The following is an entry in ClinVar:

ClinVar aggregate classification (germline): Uncertain significance (1 of 4 stars; one submission).

Submission:

Labcorp Genetics (formerly Invitae), Labcorp
Classification: Uncertain significance. Last evaluated: 2023-05-26. Review status: criteria provided, single submitter. Criteria: Invitae Variant Classification Sherloc (09022015). Collection method: clinical testing. Allele origin: germline.
Comment: Algorithms developed to predict the effect of missense changes on protein structure and function output the following: SIFT: "Not Available"; PolyPhen-2: "Benign"; Align-GVGD: "Not Available". The glycine amino acid residue is found in multiple mammalian species, which suggests that this missense change does not adversely affect protein function. In summary, the available evidence is currently insufficient to determine the role of this variant in disease. Therefore, it has been classified as a Variant of Uncertain Significance. This sequence change replaces aspartic acid, which is acidic and polar, with glycine, which is neutral and non-polar, at codon 414 of the RP1 protein (p.Asp414Gly). This variant is not present in population databases (gnomAD no frequency). This variant has not been reported in the literature in individuals affected with RP1-related conditions.

NM_006269.2(RP1):c.1241A>G (p.Asp414Gly)

Gene: RP1 (RP1 axonemal microtubule associated; plus strand). Cytogenetic location: 8q12.1.
Variant type: single nucleotide variant.
Coding change: c.1241A>G on transcript NM_006269.2 (MANE Select); coding-DNA position 1241, A replaced by G.
Protein change: p.Asp414Gly; replaces aspartic acid 414 with glycine.
Molecular consequence: missense variant. On other transcripts: intron variant (1).
Genome position (GRCh38, 1-based): chr8:54,625,123, A>G. VCF-style: chr8-54625123-A-G. GRCh37 (hg19) VCF-style: chr8-55537683-A-G.
Other names: c.787+2835A>G (NM_001375654.1); short protein forms D414G.
Identifiers: ClinVar variation 2776267 (VCV002776267.3), dbSNP rs1805993787, ClinGen allele CA370989666.
Genomic context (GRCh38, chr8:54,625,123, plus strand): 5'-TGGAGCGAAGCAGTAATCAAGAGGGCAGTTTGGCAGAGGAGATAAACATTCAAATGACAG[A>G]TCAAGTGGCTGAAACTTGCAGTTCTGCTAGTTGGGAGAATGCTACTGTGGACACAGATAT-3'
Protein context (NP_006260.1, residues 404-424): LAEEINIQMT[Asp414Gly]QVAETCSSAS